The following is an entry in ClinVar:

ClinVar aggregate classification (germline): Conflicting classifications of pathogenicity. Review status: criteria provided, conflicting classifications (1 of 4 stars). 2 submissions from 2 submitters: Uncertain significance (1); Likely benign (1). Last evaluated 2025-08-25.

Conditions:
SLC33A1-related disorder. Also called: SLC33A1-related condition.
Inborn genetic diseases. Identifiers: MedGen C0950123, MeSH D030342.

Allele frequency attached by ClinVar (database versions not stated): gnomAD exomes 0.00001; ExAC 0.00002; gnomAD 0.00003; ESP Exome Variant Server 0.00008.
gnomAD v4.1: 7 of 1,613,940 alleles (0.00043%); highest among the groups gnomAD compares: African/African-American, 0.0093%; no homozygotes.

Submissions (2):

Ambry Genetics
Classification: Likely benign for Inborn genetic diseases. Last evaluated: 2025-08-25. Review status: criteria provided, single submitter. Criteria: Ambry Variant Classification Scheme 2023. Collection method: clinical testing. Allele origin: germline.

PreventionGenetics, part of Exact Sciences
Classification: Uncertain significance for SLC33A1-related condition. Last evaluated: 2023-09-09. Review status: criteria provided, single submitter. Criteria: ACMG Guidelines, 2015. Collection method: clinical testing. Allele origin: germline.
Comment: The SLC33A1 c.544G>A variant is predicted to result in the amino acid substitution p.Ala182Thr. To our knowledge, this variant has not been reported in the literature. This variant is reported in 0.020% of alleles in individuals of African descent in gnomAD. At this time, the clinical significance of this variant is uncertain due to the absence of conclusive functional and genetic evidence.

NM_004733.4(SLC33A1):c.544G>A (p.Ala182Thr)

Gene: SLC33A1 (solute carrier family 33 member 1; minus strand). Cytogenetic location: 3q25.31.
Variant type: single nucleotide variant.
Coding change: c.544G>A on transcript NM_004733.4 (MANE Select); coding-DNA position 544, G replaced by A.
Protein change: p.Ala182Thr; replaces alanine 182 with threonine.
Molecular consequence: missense variant.
Genome position (GRCh38, 1-based): chr3:155,853,454, C>T on the plus strand (G>A on the coding strand, the complement: SLC33A1 is on the minus strand). VCF-style: chr3-155853454-C-T. GRCh37 (hg19) VCF-style: chr3-155571243-C-T.
Other names: c.544G>A, p.Ala182Thr (NM_001190992.2, NM_001363883.1); short protein forms A182T.
Identifiers: ClinVar variation 2629135 (VCV002629135.2), dbSNP rs373181939, ClinGen allele CA2677403.
Genomic context (GRCh38, chr3:155,853,454, plus strand): 5'-ACGCCCAACCATCGACGGCAATGTCCTGAGTGGCGGCCAAGAATTCAAACAAAAAGAACG[C>T]CACAGTGAGAGCAATCACGTCGGGTGTTCTGTCATCGGTATTCCCAAGCAAACGGTCCAC-3'
Protein context (NP_004724.1, residues 172-192): RTPDVIALTV[Ala182Thr]FFLFEFLAAT